The following is an entry in ClinVar:

ClinVar aggregate classification (germline): Uncertain significance (1 of 4 stars; one submission).

Submission:

Ambry Genetics
Classification: Uncertain significance. Last evaluated: 2026-08-05. Review status: criteria provided, single submitter. Criteria: Ambry Variant Classification Scheme 2023. Collection method: clinical testing. Allele origin: germline.
Comment: The c.2384G>A (p.R795H) alteration is located in exon 19 (coding exon 19) of the SMARCA1 gene. This alteration results from a G to A substitution at nucleotide position 2384, causing the arginine (R) at amino acid position 795 to be replaced by a histidine (H). Based on data from gnomAD, the A allele has an overall frequency of 0.001% (1/131150) total alleles studied. The highest observed frequency was 0.002% (1/63756) of European (non-Finnish) alleles. Based on insufficient or conflicting evidence, the clinical significance of this alteration remains unclear.

NM_001282874.2(SMARCA1):c.2384G>A (p.Arg795His)

Gene: SMARCA1 (SNF2 related chromatin remodeling ATPase 1; minus strand). Cytogenetic location: Xq25.
Variant type: single nucleotide variant.
Coding change: c.2384G>A on transcript NM_001282874.2 (MANE Select); coding-DNA position 2384, G replaced by A.
Protein change: p.Arg795His; replaces arginine 795 with histidine.
Molecular consequence: missense variant.
Genome position (GRCh38, 1-based): chrX:129,480,759, C>T on the plus strand (G>A on the coding strand, the complement: SMARCA1 is on the minus strand). VCF-style: chrX-129480759-C-T. GRCh37 (hg19) VCF-style: chrX-128614736-C-T.
Other names: c.2348G>A, p.Arg783His (NM_001282875.2, NM_001378262.1, NM_001378263.1 and 1 more transcripts); c.2384G>A, p.Arg795His (NM_001378261.1, NM_003069.5); short protein forms R795H, R783H.
Identifiers: ClinVar variation 5029791 (VCV005029791.1).